The following is an entry in ClinVar:

ClinVar aggregate classification (germline): Pathogenic. Review status: criteria provided, single submitter (1 of 4 stars). 2 submissions from 2 submitters: Pathogenic (1). 1 of the submissions does not count toward it. Last evaluated 2026-02-03.

Conditions:
TAOK1-related disorder. Also called: TAOK1-related condition.

gnomAD v4.1: 1 of 1,613,068 alleles (0.000062%); highest among the groups gnomAD compares: South Asian, 0.0011%; no homozygotes.

Submissions (2):

GeneDx
Classification: Pathogenic. Last evaluated: 2026-02-03. Review status: criteria provided, single submitter. Criteria: GeneDx Variant Classification Process June 2021. Collection method: clinical testing. Allele origin: germline.
Comment: Nonsense variant predicted to result in protein truncation or nonsense mediated decay in a gene for which loss of function is a known mechanism of disease; Has not been previously published as pathogenic or benign to our knowledge

PreventionGenetics, part of Exact Sciences
Classification: Likely pathogenic for TAOK1-related condition. Last evaluated: 2023-10-31. Review status: no assertion criteria provided. Collection method: clinical testing. Allele origin: germline. Not counted in ClinVar's aggregate classification.
Comment: The TAOK1 c.2485C>T variant is predicted to result in premature protein termination (p.Arg829*). To our knowledge, this variant has not been reported in the literature. This variant is reported in 0.0033% of alleles in individuals of South Asian descent in gnomAD. Nonsense variants in TAOK1 are expected to be pathogenic. This variant is interpreted as likely pathogenic.

NM_020791.4(TAOK1):c.2485C>T (p.Arg829Ter)

Gene: TAOK1 (TAO kinase 1; plus strand). Cytogenetic location: 17q11.2.
Variant type: single nucleotide variant.
Coding change: c.2485C>T on transcript NM_020791.4 (MANE Select); coding-DNA position 2485, C replaced by T.
Protein change: p.Arg829Ter; replaces arginine 829 with a stop codon.
Molecular consequence: nonsense.
Genome position (GRCh38, 1-based): chr17:29,534,241, C>T. VCF-style: chr17-29534241-C-T. GRCh37 (hg19) VCF-style: chr17-27861259-C-T.
Other names: c.2041C>T, p.Arg681Ter (NM_025142.1); short protein forms R681*, R829*.
Identifiers: ClinVar variation 3048845 (VCV003048845.4), dbSNP rs1359582686, ClinGen allele CA398917340.
Genomic context (GRCh38, chr17:29,534,241, plus strand): 5'-CTGGAGCTGTTGAATGCGTATCAGAGCAAAATCAAGATGCAAGCTGAGGCACAACATGAT[C>T]GAGAGCTTCGCGAGCTTGAACAGAGGGTCTCCCTCCGGAGGGCACTCTTAGAACAAAAGG-3'